The following is an entry in ClinVar:

ClinVar aggregate classification (germline): Uncertain significance. Review status: criteria provided, multiple submitters, no conflicts (2 of 4 stars). 2 submissions from 2 submitters: Uncertain significance (2). Last evaluated 2025-04-01.

Conditions:
Hypertrophic cardiomyopathy 1 (CMH1). Also called: Familial hypertrophic cardiomyopathy 1; MYH7-Related Familial Hypertrophic Cardiomyopathy. Identifiers: MedGen C3495498, MONDO:0008647, OMIM 192600.

Allele frequency attached by ClinVar (database versions not stated): ExAC 0.00001; gnomAD 0.00001; gnomAD exomes below 0.00001.
gnomAD v4.1: 7 of 1,613,916 alleles (0.00043%); highest among the groups gnomAD compares: African/African-American, 0.0013%; no homozygotes.

Submissions (2):

Labcorp Genetics (formerly Invitae), Labcorp
Classification: Uncertain significance for Hypertrophic cardiomyopathy 1. Last evaluated: 2025-04-01. Review status: criteria provided, single submitter. Criteria: Invitae Variant Classification Sherloc (09022015). Collection method: clinical testing. Allele origin: germline.
Comment: This sequence change replaces valine, which is neutral and non-polar, with isoleucine, which is neutral and non-polar, at codon 356 of the MYLK2 protein (p.Val356Ile). This variant is present in population databases (rs754860438, gnomAD 0.004%). This variant has not been reported in the literature in individuals affected with MYLK2-related conditions. ClinVar contains an entry for this variant (Variation ID: 2428674). Invitae Evidence Modeling of protein sequence and biophysical properties (such as structural, functional, and spatial information, amino acid conservation, physicochemical variation, residue mobility, and thermodynamic stability) indicates that this missense variant is not expected to disrupt MYLK2 protein function with a negative predictive value of 80%. In summary, the available evidence is currently insufficient to determine the role of this variant in disease. Therefore, it has been classified as a Variant of Uncertain Significance.

ARUP Laboratories, Molecular Genetics and Genomics, ARUP Laboratories
Classification: Uncertain significance for Hypertrophic cardiomyopathy 1. Last evaluated: 2022-03-31. Review status: criteria provided, single submitter. Criteria: ARUP Molecular Germline Variant Investigation Process 2021. Collection method: clinical testing. Allele origin: germline.
Comment: The MYLK2 c.1066G>A; p.Val356Ile variant (rs754860438), to our knowledge, is not reported in the medical literature or gene specific databases. This variant is found in the general population with an overall allele frequency of 0.001% (3/282790 alleles) in the Genome Aggregation Database. The valine at codon 356 is moderately conserved, and computational analyses predict that this variant is neutral (REVEL: 0.035). Due to limited information, the clinical significance of the p.Val356Ile variant is uncertain at this time.

NM_033118.4(MYLK2):c.1066G>A (p.Val356Ile)

Gene: MYLK2 (myosin light chain kinase 2; plus strand). Cytogenetic location: 20q11.21.
Variant type: single nucleotide variant.
Coding change: c.1066G>A on transcript NM_033118.4 (MANE Select); coding-DNA position 1066, G replaced by A.
Protein change: p.Val356Ile; replaces valine 356 with isoleucine.
Molecular consequence: missense variant.
Genome position (GRCh38, 1-based): chr20:31,826,698, G>A. VCF-style: chr20-31826698-G-A. GRCh37 (hg19) VCF-style: chr20-30414501-G-A.
Other names: short protein forms V356I.
Identifiers: ClinVar variation 2428674 (VCV002428674.4), dbSNP rs754860438, ClinGen allele CA9803093.